The following is an entry in ClinVar:

NM_000179.3(MSH6):c.101C>G (p.Ala34Gly)

Gene: MSH6 (mutS homolog 6; plus strand). Cytogenetic location: 2p16.3.
Variant type: single nucleotide variant.
Coding change: c.101C>G on transcript NM_000179.3 (MANE Select); coding-DNA position 101, C replaced by G.
Protein change: p.Ala34Gly; replaces alanine 34 with glycine.
Molecular consequence: missense variant. On other transcripts: 5 prime UTR variant (1).
Genome position (GRCh38, 1-based): chr2:47,783,334, C>G. VCF-style: chr2-47783334-C-G. GRCh37 (hg19) VCF-style: chr2-48010473-C-G.
Other names: c.101C>G, p.Ala34Gly (NM_001281492.2); c.-636C>G (NM_001281493.2); short protein forms A34G.
Identifiers: ClinVar variation 491861 (VCV000491861.10), dbSNP rs746624223, ClinGen allele CA346734835.

ClinVar aggregate classification (germline): Conflicting classifications of pathogenicity. Review status: criteria provided, conflicting classifications (1 of 4 stars). 3 submissions from 3 submitters: Uncertain significance (2); Likely benign (1). Last evaluated 2026-08-19.

Conditions:
Hereditary nonpolyposis colorectal neoplasms. Identifiers: MedGen C0009405, MeSH D003123.
Hereditary cancer-predisposing syndrome. Also called: Hereditary Cancer Syndrome; Tumor predisposition; Hereditary neoplastic syndrome; Neoplastic Syndromes, Hereditary. Identifiers: Orphanet 140162, MedGen C0027672, MeSH D009386, MONDO:0015356.

gnomAD v4.1: 2 of 1,610,418 alleles (0.00012%); highest among the groups gnomAD compares: South Asian, 0.0022%; no homozygotes.

Submissions (3):

Ambry Genetics
Classification: Likely benign for Hereditary cancer-predisposing syndrome. Last evaluated: 2026-08-19. Review status: criteria provided, single submitter. Criteria: Ambry Variant Classification Scheme 2023. Collection method: clinical testing. Allele origin: germline.

Labcorp Genetics (formerly Invitae), Labcorp
Classification: Uncertain significance for Hereditary nonpolyposis colorectal neoplasms. Last evaluated: 2025-01-23. Review status: criteria provided, single submitter. Criteria: Invitae Variant Classification Sherloc (09022015). Collection method: clinical testing. Allele origin: germline.
Comment: This sequence change replaces alanine, which is neutral and non-polar, with glycine, which is neutral and non-polar, at codon 34 of the MSH6 protein (p.Ala34Gly). This variant is not present in population databases (gnomAD no frequency). This variant has not been reported in the literature in individuals affected with MSH6-related conditions. ClinVar contains an entry for this variant (Variation ID: 491861). Invitae Evidence Modeling of protein sequence and biophysical properties (such as structural, functional, and spatial information, amino acid conservation, physicochemical variation, residue mobility, and thermodynamic stability) indicates that this missense variant is not expected to disrupt MSH6 protein function with a negative predictive value of 95%. In summary, the available evidence is currently insufficient to determine the role of this variant in disease. Therefore, it has been classified as a Variant of Uncertain Significance.

Color Diagnostics, LLC DBA Color Health
Classification: Uncertain significance for Hereditary cancer-predisposing syndrome. Last evaluated: 2023-12-05. Review status: criteria provided, single submitter. Criteria: ACMG Guidelines, 2015. Collection method: clinical testing. Allele origin: germline.
Comment: This missense variant replaces alanine with glycine at codon 34 of the MSH6 protein. Computational prediction suggests that this variant may not impact protein structure and function (internally defined REVEL score threshold <= 0.5, PMID: 27666373). To our knowledge, functional studies have not been reported for this variant. This variant has not been reported in individuals affected with MSH6-related disorders in the literature. This variant has not been identified in the general population by the Genome Aggregation Database (gnomAD). The available evidence is insufficient to determine the role of this variant in disease conclusively. Therefore, this variant is classified as a Variant of Uncertain Significance.